The following is an entry in ClinVar:

NM_007103.4(NDUFV1):c.658C>T (p.Gln220Ter)

Gene: NDUFV1 (NADH:ubiquinone oxidoreductase core subunit V1; plus strand). Cytogenetic location: 11q13.2.
Variant type: single nucleotide variant.
Coding change: c.658C>T on transcript NM_007103.4 (MANE Select); coding-DNA position 658, C replaced by T.
Protein change: p.Gln220Ter; replaces glutamine 220 with a stop codon.
Molecular consequence: nonsense.
Genome position (GRCh38, 1-based): chr11:67,610,528, C>T. VCF-style: chr11-67610528-C-T. GRCh37 (hg19) VCF-style: chr11-67377999-C-T.
Other names: c.631C>T, p.Gln211Ter (NM_001166102.2); short protein forms Q211*, Q220*.
Identifiers: ClinVar variation 3349061 (VCV003349061.1).

ClinVar aggregate classification (germline): Likely pathogenic (0 of 4 stars; one submission).

Conditions:
NDUFV1-related disorder. Also called: NDUFV1-related condition; NDUFV1-related disorders.

gnomAD v4.1: 1 of 1,614,198 alleles (0.000062%); highest among the groups gnomAD compares: Non-Finnish European, 0.000085%; no homozygotes.

Submission:

PreventionGenetics, part of Exact Sciences
Classification: Likely pathogenic for NDUFV1-related condition. Last evaluated: 2024-03-21. Review status: no assertion criteria provided. Collection method: clinical testing. Allele origin: germline.
Comment: The NDUFV1 c.658C>T variant is predicted to result in premature protein termination (p.Gln220*). This variant was reported in the compound heterozygous state in an individual with developmental disorder (Table S2, Sample S0344, Dong et al. 2020. PubMed ID: 32005694). This variant has not been reported in a large population database, indicating this variant is rare. Nonsense variants in NDUFV1 are expected to be pathogenic. This variant is interpreted as likely pathogenic.